The following is an entry in ClinVar:

ClinVar aggregate classification (germline): Uncertain significance (1 of 4 stars; one submission).

Submission:

Labcorp Genetics (formerly Invitae), Labcorp
Classification: Uncertain significance. Last evaluated: 2023-05-09. Review status: criteria provided, single submitter. Criteria: Invitae Variant Classification Sherloc (09022015). Collection method: clinical testing. Allele origin: germline.
Comment: This sequence change replaces leucine, which is neutral and non-polar, with arginine, which is basic and polar, at codon 10 of the IMPDH1 protein (p.Leu10Arg). This variant is not present in population databases (gnomAD no frequency). This variant has not been reported in the literature in individuals affected with IMPDH1-related conditions. Experimental studies and prediction algorithms are not available or were not evaluated, and the functional significance of this variant is currently unknown. In summary, the available evidence is currently insufficient to determine the role of this variant in disease. Therefore, it has been classified as a Variant of Uncertain Significance.

NM_000883.4(IMPDH1):c.29T>G (p.Leu10Arg)

Genes: IMPDH1 (inosine monophosphate dehydrogenase 1; minus strand), LOC129999258 (ATAC-STARR-seq lymphoblastoid silent region 18606; plus strand). Cytogenetic location: 7q32.1.
Variant type: single nucleotide variant.
Coding change: c.29T>G on transcript NM_000883.4 (MANE Select); coding-DNA position 29, T replaced by G.
Protein change: p.Leu10Arg; replaces leucine 10 with arginine.
Molecular consequence: missense variant.
Genome position (GRCh38, 1-based): chr7:128,409,873, A>C on the plus strand (T>G on the coding strand, the complement: IMPDH1 is on the minus strand). VCF-style: chr7-128409873-A-C. GRCh37 (hg19) VCF-style: chr7-128049927-A-C.
Other names: c.29T>G, p.Leu10Arg (NM_001102605.2, NM_001142576.2, NM_001304521.2 and 1 more transcripts); short protein forms L10R.
Identifiers: ClinVar variation 2845814 (VCV002845814.3), dbSNP rs2535814422, ClinGen allele CA369182473.